The following is an entry in ClinVar:

NM_000489.6(ATRX):c.2554G>T (p.Asp852Tyr)

Gene: ATRX (ATRX chromatin remodeler; minus strand). Cytogenetic location: Xq21.1.
Variant type: single nucleotide variant.
Coding change: c.2554G>T on transcript NM_000489.6 (MANE Select); coding-DNA position 2554, G replaced by T.
Protein change: p.Asp852Tyr; replaces aspartic acid 852 with tyrosine.
Molecular consequence: missense variant.
Genome position (GRCh38, 1-based): chrX:77,682,702, C>A on the plus strand (G>T on the coding strand, the complement: ATRX is on the minus strand). VCF-style: chrX-77682702-C-A. GRCh37 (hg19) VCF-style: chrX-76938194-C-A.
Other names: c.2440G>T, p.Asp814Tyr (NM_138270.5); short protein forms D814Y, D852Y.
Identifiers: ClinVar variation 3363332 (VCV003363332.1).

ClinVar aggregate classification (germline): Uncertain significance (1 of 4 stars; one submission).

gnomAD v4.1: 5 of 1,209,405 alleles (0.00041%); highest among the groups gnomAD compares: Non-Finnish European, 0.00056%; no homozygotes.

Submission:

GeneDx
Classification: Uncertain significance. Last evaluated: 2023-10-20. Review status: criteria provided, single submitter. Criteria: GeneDx Variant Classification Process June 2021. Collection method: clinical testing. Allele origin: germline. Affected: yes.
Comment: Not observed at significant frequency in large population cohorts (gnomAD); In silico analysis supports that this missense variant does not alter protein structure/function; Has not been previously published as pathogenic or benign to our knowledge